The following is an entry in ClinVar:

NM_022166.4(XYLT1):c.1763A>G (p.Gln588Arg)

Genes: XYLT1 (xylosyltransferase 1; minus strand), LOC102723692 (uncharacterized LOC102723692; plus strand). Cytogenetic location: 16p12.3.
Variant type: single nucleotide variant.
Coding change: c.1763A>G on transcript NM_022166.4 (MANE Select); coding-DNA position 1763, A replaced by G.
Protein change: p.Gln588Arg; replaces glutamine 588 with arginine.
Molecular consequence: missense variant. On other transcripts: non-coding transcript variant (1).
Genome position (GRCh38, 1-based): chr16:17,138,356, T>C on the plus strand (A>G on the coding strand, the complement: XYLT1 is on the minus strand). VCF-style: chr16-17138356-T-C. GRCh37 (hg19) VCF-style: chr16-17232213-T-C.
Other names: short protein forms Q588R.
Identifiers: ClinVar variation 1397336 (VCV001397336.6), dbSNP rs556515927, ClinGen allele CA7927799.
Genomic context (GRCh38, chr16:17,138,356, plus strand): 5'-GCAGAGGTTTGTTGGGAAGGCATCACTTAGGAGGCTGGCAGACCATGAGAAAGTCTCACC[T>C]GGAAGCGGTGGAAGTCCTGCGGCTTGAAGTCATTGGGGGAGCAGCCGCACCAGTCCACGA-3'
Protein context (NP_071449.1, residues 578-598): DFKPQDFHRF[Gln588Arg]QTARPTFFAR

ClinVar aggregate classification (germline): Uncertain significance (1 of 4 stars; one submission).

Conditions:
Desbuquois dysplasia 1 (DBQD1). Also called: DESBUQUOIS DYSPLASIA 1, KIM VARIANT; MICROMELIC DWARFISM WITH VERTEBRAL AND METAPHYSEAL ABNORMALITIES AND ADVANCED CARPOTARSAL OSSIFICATION. Identifiers: Orphanet 1425, MedGen C4012146, MONDO:0009629, OMIM 251450.

Allele frequency attached by ClinVar (database versions not stated): gnomAD 0.00001; gnomAD exomes 0.00003; ExAC 0.00004; 1000 Genomes Project 30x 0.00016; 1000 Genomes Project 0.00020.
gnomAD v4.1: 15 of 1,610,854 alleles (0.00093%); highest among the groups gnomAD compares: South Asian, 0.016%; no homozygotes.

Submission:

Labcorp Genetics (formerly Invitae), Labcorp
Classification: Uncertain significance for Desbuquois dysplasia 1. Last evaluated: 2023-07-07. Review status: criteria provided, single submitter. Criteria: Invitae Variant Classification Sherloc (09022015). Collection method: clinical testing. Allele origin: germline.
Comment: In summary, the available evidence is currently insufficient to determine the role of this variant in disease. Therefore, it has been classified as a Variant of Uncertain Significance. An algorithm developed to predict the effect of missense changes on protein structure and function (PolyPhen-2) suggests that this variant is likely to be disruptive. ClinVar contains an entry for this variant (Variation ID: 1397336). This variant has not been reported in the literature in individuals affected with XYLT1-related conditions. This variant is present in population databases (rs556515927, gnomAD 0.03%). This sequence change replaces glutamine, which is neutral and polar, with arginine, which is basic and polar, at codon 588 of the XYLT1 protein (p.Gln588Arg).